The following is an entry in ClinVar:

NM_000051.4(ATM):c.6055T>C (p.Tyr2019His)

Genes: ATM (ATM serine/threonine kinase; plus strand), C11orf65 (chromosome 11 open reading frame 65; minus strand). Cytogenetic location: 11q22.3.
Variant type: single nucleotide variant.
Coding change: c.6055T>C on transcript NM_000051.4 (MANE Select); coding-DNA position 6055, T replaced by C.
Protein change: p.Tyr2019His; replaces tyrosine 2019 with histidine.
Molecular consequence: missense variant. On other transcripts: intron variant (2).
Genome position (GRCh38, 1-based): chr11:108,315,871, T>C. VCF-style: chr11-108315871-T-C. GRCh37 (hg19) VCF-style: chr11-108186598-T-C.
Other names: c.6055T>C, p.Tyr2019His (NM_001351834.2); c.641-6800A>G (NM_001330368.2); c.*39-6800A>G (NM_001351110.2); short protein forms Y2019H.
Identifiers: ClinVar variation 826159 (VCV000826159.13), dbSNP rs1591776885, ClinGen allele CA382550008.

ClinVar aggregate classification (germline): Uncertain significance. Review status: criteria provided, multiple submitters, no conflicts (2 of 4 stars). 3 submissions from 3 submitters: Uncertain significance (3). Last evaluated 2025-09-12.

Conditions:
Hereditary cancer-predisposing syndrome. Also called: Tumor predisposition; Neoplastic Syndromes, Hereditary; Hereditary Cancer Syndrome; Hereditary neoplastic syndrome. Identifiers: Orphanet 140162, MedGen C0027672, MeSH D009386, MONDO:0015356.
Ataxia-telangiectasia syndrome (AT). Also called: ATAXIA-TELANGIECTASIA, COMPLEMENTATION GROUP A; ATAXIA-TELANGIECTASIA, FRESNO VARIANT; Ataxia-telangiectasia; Ataxia-telangiectasia, complementation group D; AT, COMPLEMENTATION GROUP C; Ataxia-telangiectasia, complementation group E. Identifiers: Orphanet 100, MedGen C0004135, MONDO:0008840, OMIM 208900.

Allele frequency attached by ClinVar (database versions not stated): gnomAD exomes below 0.00001.
gnomAD v4.1: 1 of 1,613,554 alleles (0.000062%); highest among the groups gnomAD compares: Non-Finnish European, 0.000085%; no homozygotes.

Submissions (3):

Ambry Genetics
Classification: Uncertain significance for Hereditary cancer-predisposing syndrome. Last evaluated: 2025-09-12. Review status: criteria provided, single submitter. Criteria: Ambry Variant Classification Scheme 2023. Collection method: clinical testing. Allele origin: germline.
Comment: The p.Y2019H variant (also known as c.6055T>C), located in coding exon 40 of the ATM gene, results from a T to C substitution at nucleotide position 6055. The tyrosine at codon 2019 is replaced by histidine, an amino acid with similar properties. This amino acid position is highly conserved in available vertebrate species. In addition, the in silico prediction for this alteration is inconclusive. Based on the available evidence, the clinical significance of this variant remains unclear.

Labcorp Genetics (formerly Invitae), Labcorp
Classification: Uncertain significance for Ataxia-telangiectasia syndrome. Last evaluated: 2022-02-23. Review status: criteria provided, single submitter. Criteria: Invitae Variant Classification Sherloc (09022015). Collection method: clinical testing. Allele origin: germline.
Comment: In summary, the available evidence is currently insufficient to determine the role of this variant in disease. Therefore, it has been classified as a Variant of Uncertain Significance. Advanced modeling of protein sequence and biophysical properties (such as structural, functional, and spatial information, amino acid conservation, physicochemical variation, residue mobility, and thermodynamic stability) performed at Invitae indicates that this missense variant is not expected to disrupt ATM protein function. ClinVar contains an entry for this variant (Variation ID: 826159). This variant has not been reported in the literature in individuals affected with ATM-related conditions. This variant is not present in population databases (gnomAD no frequency). This sequence change replaces tyrosine, which is neutral and polar, with histidine, which is basic and polar, at codon 2019 of the ATM protein (p.Tyr2019His).

Color Diagnostics, LLC DBA Color Health
Classification: Uncertain significance for Hereditary cancer-predisposing syndrome. Last evaluated: 2022-01-24. Review status: criteria provided, single submitter. Criteria: ACMG Guidelines, 2015. Collection method: clinical testing. Allele origin: germline.
Comment: This missense variant replaces tyrosine with histidine at codon 2019 of the ATM protein. Computational prediction is inconclusive regarding the impact of this variant on protein structure and function (internally defined REVEL score threshold 0.5 < inconclusive < 0.7, PMID: 27666373). To our knowledge, functional studies have not been reported for this variant. This variant has been reported in an individual affected with breast cancer (PMID: 30287823). This variant has not been identified in the general population by the Genome Aggregation Database (gnomAD). The available evidence is insufficient to determine the role of this variant in disease conclusively. Therefore, this variant is classified as a Variant of Uncertain Significance.

Literature cited by the submitters: PubMed 30287823 (cited by Color Diagnostics, LLC DBA Color Health).